The following is an entry in ClinVar:

NM_031935.3(HMCN1):c.6967A>T (p.Thr2323Ser)

Gene: HMCN1 (hemicentin 1; plus strand). Cytogenetic location: 1q31.1.
Variant type: single nucleotide variant.
Coding change: c.6967A>T on transcript NM_031935.3 (MANE Select); coding-DNA position 6967, A replaced by T.
Protein change: p.Thr2323Ser; replaces threonine 2323 with serine.
Molecular consequence: missense variant.
Genome position (GRCh38, 1-based): chr1:186,055,497, A>T. VCF-style: chr1-186055497-A-T. GRCh37 (hg19) VCF-style: chr1-186024629-A-T.
Other names: short protein forms T2323S.
Identifiers: ClinVar variation 1515258 (VCV001515258.6), dbSNP rs1571788821, ClinGen allele CA343901997.

ClinVar aggregate classification (germline): Uncertain significance (1 of 4 stars; one submission).

Submission:

Labcorp Genetics (formerly Invitae), Labcorp
Classification: Uncertain significance. Last evaluated: 2022-10-24. Review status: criteria provided, single submitter. Criteria: Invitae Variant Classification Sherloc (09022015). Collection method: clinical testing. Allele origin: germline.
Comment: This variant has not been reported in the literature in individuals affected with HMCN1-related conditions. In summary, the available evidence is currently insufficient to determine the role of this variant in disease. Therefore, it has been classified as a Variant of Uncertain Significance. Algorithms developed to predict the effect of missense changes on protein structure and function output the following: SIFT: "Tolerated"; PolyPhen-2: "Benign"; Align-GVGD: "Class C0". The serine amino acid residue is found in multiple mammalian species, which suggests that this missense change does not adversely affect protein function. ClinVar contains an entry for this variant (Variation ID: 1515258). This variant is not present in population databases (gnomAD no frequency). This sequence change replaces threonine, which is neutral and polar, with serine, which is neutral and polar, at codon 2323 of the HMCN1 protein (p.Thr2323Ser).